The following is an entry in ClinVar:

NM_144997.7(FLCN):c.1720G>C (p.Ala574Pro)

Gene: FLCN (folliculin; minus strand). Cytogenetic location: 17p11.2.
Variant type: single nucleotide variant.
Coding change: c.1720G>C on transcript NM_144997.7 (MANE Select); coding-DNA position 1720, G replaced by C.
Protein change: p.Ala574Pro; replaces alanine 574 with proline.
Molecular consequence: missense variant.
Genome position (GRCh38, 1-based): chr17:17,213,675, C>G on the plus strand (G>C on the coding strand, the complement: FLCN is on the minus strand). VCF-style: chr17-17213675-C-G. GRCh37 (hg19) VCF-style: chr17-17116989-C-G.
Other names: c.1774G>C, p.Ala592Pro (NM_001353229.2); c.1720G>C, p.Ala574Pro (NM_001353230.2, NM_001353231.2); short protein forms A574P, A592P.
Identifiers: ClinVar variation 4025298 (VCV004025298.1).

ClinVar aggregate classification (germline): Uncertain significance (1 of 4 stars; one submission).

Conditions:
Hereditary cancer-predisposing syndrome. Also called: Tumor predisposition; Hereditary neoplastic syndrome; Neoplastic Syndromes, Hereditary; Hereditary Cancer Syndrome. Identifiers: Orphanet 140162, MedGen C0027672, MeSH D009386, MONDO:0015356.

Submission:

Ambry Genetics
Classification: Uncertain significance for Hereditary cancer-predisposing syndrome. Last evaluated: 2025-03-21. Review status: criteria provided, single submitter. Criteria: Ambry Variant Classification Scheme 2023. Collection method: clinical testing. Allele origin: germline.
Comment: The p.A574P variant (also known as c.1720G>C), located in coding exon 11 of the FLCN gene, results from a G to C substitution at nucleotide position 1720. The alanine at codon 574 is replaced by proline, an amino acid with highly similar properties. This amino acid position is not well conserved in available vertebrate species. In addition, the in silico prediction for this alteration is inconclusive. Based on the available evidence, the clinical significance of this variant remains unclear.